The following is an entry in ClinVar:

NM_000428.3(LTBP2):c.508G>A (p.Gly170Arg)

Gene: LTBP2 (latent transforming growth factor beta binding protein 2; minus strand). Cytogenetic location: 14q24.3.
Variant type: single nucleotide variant.
Coding change: c.508G>A on transcript NM_000428.3 (MANE Select); coding-DNA position 508, G replaced by A.
Protein change: p.Gly170Arg; replaces glycine 170 with arginine.
Molecular consequence: missense variant.
Genome position (GRCh38, 1-based): chr14:74,603,692, C>T on the plus strand (G>A on the coding strand, the complement: LTBP2 is on the minus strand). VCF-style: chr14-74603692-C-T. GRCh37 (hg19) VCF-style: chr14-75070395-C-T.
Other names: short protein forms G170R.
Identifiers: ClinVar variation 1356348 (VCV001356348.7), dbSNP rs143777450, ClinGen allele CA7270166.
Genomic context (GRCh38, chr14:74,603,692, plus strand): 5'-CACGTTTGATACAGTGGTTGGTGCTGTTTGCTGTTGTCCATCCTGGGCAGCACTGTCCCC[C>T]GCAGACGTTCCTCCTGTGGGGTCACCAAAACAGAGTCAACACAAGGATGCTCAGAGCTGG-3'
Protein context (NP_000419.1, residues 160-180): RGRLTGRNVC[Gly170Arg]GQCCPGWTTA

ClinVar aggregate classification (germline): Uncertain significance (1 of 4 stars; one submission).

Allele frequency attached by ClinVar (database versions not stated): gnomAD 0.00004.
gnomAD v4.1: 44 of 1,614,020 alleles (0.0027%); highest among the groups gnomAD compares: East Asian, 0.042%; no homozygotes.

Submission:

Labcorp Genetics (formerly Invitae), Labcorp
Classification: Uncertain significance. Last evaluated: 2023-10-16. Review status: criteria provided, single submitter. Criteria: Invitae Variant Classification Sherloc (09022015). Collection method: clinical testing. Allele origin: germline.
Comment: This sequence change replaces glycine, which is neutral and non-polar, with arginine, which is basic and polar, at codon 170 of the LTBP2 protein (p.Gly170Arg). This variant is present in population databases (rs143777450, gnomAD 0.1%). This variant has not been reported in the literature in individuals affected with LTBP2-related conditions. ClinVar contains an entry for this variant (Variation ID: 1356348). An algorithm developed to predict the effect of missense changes on protein structure and function (PolyPhen-2) suggests that this variant is likely to be disruptive. In summary, the available evidence is currently insufficient to determine the role of this variant in disease. Therefore, it has been classified as a Variant of Uncertain Significance.